The following is an entry in ClinVar:

ClinVar aggregate classification (germline): Pathogenic. Review status: criteria provided, single submitter (1 of 4 stars). 2 submissions from 2 submitters: Pathogenic (1). 1 of the submissions does not count toward it. Last evaluated 2022-02-06.

Conditions:
Duchenne muscular dystrophy (DMD). Also called: MUSCULAR DYSTROPHY, PSEUDOHYPERTROPHIC PROGRESSIVE, DUCHENNE TYPE; Duchenne Muscular Dystrophy (DMD). Identifiers: Orphanet 98896, MedGen C0013264, MONDO:0010679, OMIM 310200.

Submissions (2):

Labcorp Genetics (formerly Invitae), Labcorp
Classification: Pathogenic for Duchenne muscular dystrophy. Last evaluated: 2022-02-06. Review status: criteria provided, single submitter. Criteria: Invitae Variant Classification Sherloc (09022015). Collection method: clinical testing. Allele origin: germline.
Comment: For these reasons, this variant has been classified as Pathogenic. ClinVar contains an entry for this variant (Variation ID: 11284). This premature translational stop signal has been observed in individual(s) with Duchenne muscular dystrophy (PMID: 12673664). This variant is not present in population databases (gnomAD no frequency). This sequence change creates a premature translational stop signal (p.Asn126Ilefs*16) in the DMD gene. It is expected to result in an absent or disrupted protein product. Loss-of-function variants in DMD are known to be pathogenic (PMID: 16770791, 25007885).

OMIM
Classification: Pathogenic for DUCHENNE MUSCULAR DYSTROPHY. Last evaluated: 2003-04-30. Review status: no assertion criteria provided. Collection method: literature only. Allele origin: germline. Not counted in ClinVar's aggregate classification.

Literature cited by the submitters: PubMed 12673664 (cited by Labcorp Genetics (formerly Invitae), Labcorp and OMIM); PubMed 16770791 (cited by Labcorp Genetics (formerly Invitae), Labcorp); PubMed 25007885 (cited by Labcorp Genetics (formerly Invitae), Labcorp).

NM_004006.3(DMD):c.377del (p.Asn126fs)

Gene: DMD (dystrophin; minus strand). Cytogenetic location: Xp21.1.
Variant type: Deletion.
Coding change: c.377del on transcript NM_004006.3 (MANE Select); coding-DNA position 377, one base deleted (A; older notation c.377delA).
Protein change: p.Asn126fs; shifts the reading frame from asparagine 126.
Molecular consequence: frameshift variant.
Genome position (GRCh38, 1-based): chrX:32,816,621, T deleted on the plus strand (A on the coding strand, the reverse complement: DMD is on the minus strand); the first of 5 consecutive T bases (chrX:32,816,621-32,816,625); deleting any one gives the same sequence. VCF-style (leftmost placement, unchanged base first): chrX-32816620-AT-A. GRCh37 (hg19) VCF-style: chrX-32834737-AT-A.
Other names: c.353del, p.Asn118fs (NM_000109.4); c.365del, p.Asn122fs (NM_004009.3); c.8del, p.Asn3fs (NM_004010.3); c.377delA (NM_004006.2); short protein forms N3fs, N122fs, N118fs, N126fs.
Identifiers: ClinVar variation 11284 (VCV000011284.6), dbSNP rs1569528138, ClinGen allele CA913184717.
Genomic context (GRCh38, chrX:32,816,620, plus strand): 5'-TTGTCGGACCCAGCTCAGGAGAATCTTTTCACTGTTGGTTTGTTGCAATCCAGCCATGAT[AT>A]TTTTCATTACATTTTTGACCTACATGTGGAAATAAATTTTCATAAGAAAATGCATTCCTT-3'